The following is an entry in ClinVar:

NM_000057.4(BLM):c.820A>G (p.Asn274Asp)

Gene: BLM (BLM RecQ like helicase; plus strand). Cytogenetic location: 15q26.1.
Variant type: single nucleotide variant.
Coding change: c.820A>G on transcript NM_000057.4 (MANE Select); coding-DNA position 820, A replaced by G.
Protein change: p.Asn274Asp; replaces asparagine 274 with aspartic acid.
Molecular consequence: missense variant. On other transcripts: 5 prime UTR variant (1).
Genome position (GRCh38, 1-based): chr15:90,751,807, A>G. VCF-style: chr15-90751807-A-G. GRCh37 (hg19) VCF-style: chr15-91295037-A-G.
Other names: c.820A>G, p.Asn274Asp (NM_001287246.2, NM_001287247.2); c.-472A>G (NM_001287248.2); c.820A>G (NM_000057.2); short protein forms N274D.
Identifiers: ClinVar variation 640809 (VCV000640809.12), dbSNP rs750551907, ClinGen allele CA393841656.

ClinVar aggregate classification (germline): Uncertain significance. Review status: criteria provided, multiple submitters, no conflicts (2 of 4 stars). 6 submissions from 6 submitters: Uncertain significance (5). 1 of the submissions does not count toward it. Last evaluated 2025-11-25.

Conditions:
Hereditary cancer-predisposing syndrome. Also called: Neoplastic Syndromes, Hereditary; Tumor predisposition; Hereditary Cancer Syndrome; Hereditary neoplastic syndrome. Identifiers: Orphanet 140162, MedGen C0027672, MeSH D009386, MONDO:0015356.
Bloom syndrome (BLM). Also called: Bloom-Torre-Machacek syndrome. Identifiers: Orphanet 125, MedGen C0005859, MONDO:0008876, OMIM 210900.

Allele frequency attached by ClinVar (database versions not stated): gnomAD 0.00003; TOPMed 0.00005.
gnomAD v4.1: 8 of 1,612,452 alleles (0.0005%); highest among the groups gnomAD compares: African/African-American, 0.011%; no homozygotes.

Submissions (6):

Women's Health and Genetics/Laboratory Corporation of America, LabCorp
Classification: Uncertain significance. Last evaluated: 2025-11-25. Review status: criteria provided, single submitter. Criteria: LabCorp Variant Classification Summary - May 2015. Collection method: clinical testing. Allele origin: germline.

Ambry Genetics
Classification: Uncertain significance for Hereditary cancer-predisposing syndrome. Last evaluated: 2025-04-05. Review status: criteria provided, single submitter. Criteria: Ambry Variant Classification Scheme 2023. Collection method: clinical testing. Allele origin: germline.

GeneDx
Classification: Uncertain significance. Last evaluated: 2022-11-07. Review status: criteria provided, single submitter. Criteria: GeneDx Variant Classification Process June 2021. Collection method: clinical testing. Allele origin: germline. Affected: yes.
Comment: Not observed at significant frequency in large population cohorts (gnomAD); In silico analysis supports that this missense variant does not alter protein structure/function; Has not been previously published as pathogenic or benign to our knowledge

Labcorp Genetics (formerly Invitae), Labcorp
Classification: Uncertain significance for Bloom syndrome. Last evaluated: 2022-10-24. Review status: criteria provided, single submitter. Criteria: Invitae Variant Classification Sherloc (09022015). Collection method: clinical testing. Allele origin: germline.
Comment: This sequence change replaces asparagine, which is neutral and polar, with aspartic acid, which is acidic and polar, at codon 274 of the BLM protein (p.Asn274Asp). This variant is present in population databases (no rsID available, gnomAD 0.01%). This variant has not been reported in the literature in individuals affected with BLM-related conditions. ClinVar contains an entry for this variant (Variation ID: 640809). Algorithms developed to predict the effect of missense changes on protein structure and function (SIFT, PolyPhen-2, Align-GVGD) all suggest that this variant is likely to be tolerated. In summary, the available evidence is currently insufficient to determine the role of this variant in disease. Therefore, it has been classified as a Variant of Uncertain Significance.

St. Jude Molecular Pathology, St. Jude Children's Research Hospital
Classification: Uncertain significance for Bloom syndrome. Last evaluated: 2022-09-09. Review status: criteria provided, single submitter. Criteria: St. Jude Assertion Criteria 2020. Collection method: clinical testing. Allele origin: germline.
Comment: The BLM c.820A>G (p.Asn274Asp) missense change has a maximum subpopulation frequency of 0.011% in gnomAD v2.1.1. The in silico tool REVEL predicts a benign effect on protein function, and to our knowledge functional studies have not been performed. To our knowledge, this variant has not been reported in individuals with Bloom syndrome. In summary, the evidence currently available is insufficient to determine the clinical significance of this variant. It has therefore been classified as of uncertain significance.

Natera, Inc.
Classification: Uncertain significance for Bloom syndrome. Last evaluated: 2020-09-16. Review status: no assertion criteria provided. Collection method: clinical testing. Allele origin: germline. Not counted in ClinVar's aggregate classification.